The following is an entry in ClinVar:

ClinVar aggregate classification (germline): Pathogenic (1 of 4 stars; one submission).

Conditions:
Cornelia de Lange syndrome 1 (CDLS1). Also called: TYPUS DEGENERATIVUS AMSTELODAMENSIS; Brachmann de Lange syndrome; NIPBL-Related Cornelia de Lange Syndrome. Identifiers: Orphanet 199, MedGen C4551851, MONDO:0007387, OMIM 122470.

Submission:

Victorian Clinical Genetics Services, Murdoch Childrens Research Institute
Classification: Pathogenic for Cornelia de Lange syndrome 1. Last evaluated: 2014-11-03. Review status: criteria provided, single submitter. Criteria: ACMG Guidelines, 2015. Collection method: clinical testing. Allele origin: unknown. Inheritance: Autosomal dominant inheritance. Affected: yes. Observed: 1 variant allele.
Comment: This heterozygous variant results in an insertion of a stop codon and premature truncation of the protein, p.(Gln2384*). This is a novel truncating mutation which is predicted to be disease-causing by in-silico software. Haploinsufficiency is the commonest mechanism of pathogenicity in NIPBL-associated Cornelia de Lange syndrome.

Literature cited by the submitters: PubMed 26938784.

NM_133433.4(NIPBL):c.7150C>T (p.Gln2384Ter)

Gene: NIPBL (NIPBL cohesin loading factor; plus strand). Cytogenetic location: 5p13.2.
Variant type: single nucleotide variant.
Coding change: c.7150C>T on transcript NM_133433.4 (MANE Select); coding-DNA position 7150, C replaced by T.
Protein change: p.Gln2384Ter; replaces glutamine 2384 with a stop codon.
Molecular consequence: nonsense.
Genome position (GRCh38, 1-based): chr5:37,052,453, C>T. VCF-style: chr5-37052453-C-T. GRCh37 (hg19) VCF-style: chr5-37052555-C-T.
Other names: c.7150C>T, p.Gln2384Ter (NM_015384.5); short protein forms Q2384*.
Identifiers: ClinVar variation 369665 (VCV000369665.3), dbSNP rs1057516034, ClinGen allele CA10654758.